The following is an entry in ClinVar:

ClinVar aggregate classification (germline): Benign/Likely benign. Review status: criteria provided, multiple submitters, no conflicts (2 of 4 stars). 3 submissions from 3 submitters: Benign (1); Likely benign (1). 1 of the submissions does not count toward it. Last evaluated 2025-03-29.

Conditions:
HDAC4-related disorder. Also called: HDAC4-related condition.

Allele frequency attached by ClinVar (database versions not stated): gnomAD 0.00002 and 0.00019; TOPMed 0.00002; gnomAD exomes 0.00038 and 0.00091; ExAC 0.00102; 1000 Genomes Project 0.00140; 1000 Genomes Project 30x 0.00156.
gnomAD v4.1: 587 of 1,614,134 alleles (0.036%); highest among the groups gnomAD compares: South Asian, 0.58%; 16 homozygotes.

Submissions (3):

Labcorp Genetics (formerly Invitae), Labcorp
Classification: Benign. Last evaluated: 2025-03-29. Review status: criteria provided, single submitter. Criteria: Invitae Variant Classification Sherloc (09022015). Collection method: clinical testing. Allele origin: germline.

CeGaT Center for Human Genetics Tuebingen
Classification: Likely benign. Last evaluated: 2024-06-01. Review status: criteria provided, single submitter. Criteria: CeGaT Center For Human Genetics Tuebingen Variant Classification Criteria Version 2. Collection method: clinical testing. Allele origin: germline. Affected: yes. Observed: 1 variant allele.
Comment: HDAC4: BP4, BS2

PreventionGenetics, part of Exact Sciences
Classification: Benign for HDAC4-related condition. Last evaluated: 2020-03-25. Review status: no assertion criteria provided. Collection method: clinical testing. Allele origin: germline. Not counted in ClinVar's aggregate classification.
Comment: This variant is classified as benign based on ACMG/AMP sequence variant interpretation guidelines (Richards et al. 2015 PMID: 25741868, with internal and published modifications).

NM_001378414.1(HDAC4):c.934G>A (p.Ala312Thr)

Gene: HDAC4 (histone deacetylase 4; minus strand). Cytogenetic location: 2q37.3.
Variant type: single nucleotide variant.
Coding change: c.934G>A on transcript NM_001378414.1 (MANE Select); coding-DNA position 934, G replaced by A.
Protein change: p.Ala312Thr; replaces alanine 312 with threonine.
Molecular consequence: missense variant.
Genome position (GRCh38, 1-based): chr2:239,139,728, C>T on the plus strand (G>A on the coding strand, the complement: HDAC4 is on the minus strand). VCF-style: chr2-239139728-C-T. GRCh37 (hg19) VCF-style: chr2-240061424-C-T.
Other names: c.934G>A (NM_006037.3); c.934G>A, p.Ala312Thr (NM_001378415.1, NM_001378416.1, NM_001378417.1 and 1 more transcripts); short protein forms A312T.
Identifiers: ClinVar variation 1597573 (VCV001597573.27), dbSNP rs199946856, ClinGen allele CA2200006.